The following is an entry in ClinVar:

ClinVar aggregate classification (germline): Uncertain significance. Review status: criteria provided, multiple submitters, no conflicts (2 of 4 stars). 2 submissions from 2 submitters: Uncertain significance (2). Last evaluated 2024-11-04.

Conditions:
Inborn genetic diseases. Identifiers: MedGen C0950123, MeSH D030342.

Allele frequency attached by ClinVar (database versions not stated): gnomAD exomes 0.00001; ExAC 0.00002.
gnomAD v4.1: 21 of 1,613,718 alleles (0.0013%); highest among the groups gnomAD compares: African/African-American, 0.027%; no homozygotes.

Submissions (2):

Labcorp Genetics (formerly Invitae), Labcorp
Classification: Uncertain significance. Last evaluated: 2024-11-04. Review status: criteria provided, single submitter. Criteria: Invitae Variant Classification Sherloc (09022015). Collection method: clinical testing. Allele origin: germline.
Comment: This sequence change replaces methionine, which is neutral and non-polar, with valine, which is neutral and non-polar, at codon 636 of the OCA2 protein (p.Met636Val). This variant is present in population databases (rs750047317, gnomAD 0.02%). This variant has not been reported in the literature in individuals affected with OCA2-related conditions. ClinVar contains an entry for this variant (Variation ID: 2179742). Invitae Evidence Modeling of protein sequence and biophysical properties (such as structural, functional, and spatial information, amino acid conservation, physicochemical variation, residue mobility, and thermodynamic stability) indicates that this missense variant is not expected to disrupt OCA2 protein function with a negative predictive value of 80%. In summary, the available evidence is currently insufficient to determine the role of this variant in disease. Therefore, it has been classified as a Variant of Uncertain Significance.

Ambry Genetics
Classification: Uncertain significance for Inborn genetic diseases. Last evaluated: 2024-05-01. Review status: criteria provided, single submitter. Criteria: Ambry Variant Classification Scheme 2023. Collection method: clinical testing. Allele origin: germline.

NM_000275.3(OCA2):c.1906A>G (p.Met636Val)

Gene: OCA2 (OCA2 melanosomal transmembrane protein; minus strand). Cytogenetic location: 15q13.1.
Variant type: single nucleotide variant.
Coding change: c.1906A>G on transcript NM_000275.3 (MANE Select); coding-DNA position 1906, A replaced by G.
Protein change: p.Met636Val; replaces methionine 636 with valine.
Molecular consequence: missense variant.
Genome position (GRCh38, 1-based): chr15:27,951,829, T>C on the plus strand (A>G on the coding strand, the complement: OCA2 is on the minus strand). VCF-style: chr15-27951829-T-C. GRCh37 (hg19) VCF-style: chr15-28196975-T-C.
Other names: c.1834A>G, p.Met612Val (NM_001300984.2); c.1906A>G (NM_000275.2); short protein forms M636V, M612V.
Identifiers: ClinVar variation 2179742 (VCV002179742.3), dbSNP rs750047317, ClinGen allele CA7438857.